The following is an entry in ClinVar:

NM_001371623.1(TCOF1):c.1361C>T (p.Ala454Val)

Gene: TCOF1 (treacle ribosome biogenesis factor 1; plus strand). Cytogenetic location: 5q32.
Variant type: single nucleotide variant.
Coding change: c.1361C>T on transcript NM_001371623.1 (MANE Select); coding-DNA position 1361, C replaced by T.
Protein change: p.Ala454Val; replaces alanine 454 with valine.
Molecular consequence: missense variant.
Genome position (GRCh38, 1-based): chr5:150,375,036, C>T. VCF-style: chr5-150375036-C-T. GRCh37 (hg19) VCF-style: chr5-149754599-C-T.
Other names: c.1130C>T, p.Ala377Val (NM_000356.4, NM_001135245.2); c.1361C>T, p.Ala454Val (NM_001008657.3, NM_001135243.2, NM_001135244.2 and 1 more transcripts); short protein forms A377V, A454V.
Identifiers: ClinVar variation 800228 (VCV000800228.13), dbSNP rs375227693, ClinGen allele CA3510844.
Genomic context (GRCh38, chr5:150,375,036, plus strand): 5'-CCCAGGTCAGAGCCGCCTCGGCCCCTGCCAAGGAGTCCCCCAGGAAAGGGGCTGCCCCAG[C>T]ACCTCCTAGGAAAACAGGGCCTGCAGCCGCCCAGGTCCAGGTGGGGAAGCAGGAGGAGGA-3'
Protein context (NP_001358552.1, residues 444-464): KESPRKGAAP[Ala454Val]PPRKTGPAAA

ClinVar aggregate classification (germline): Likely benign. Review status: criteria provided, multiple submitters, no conflicts (2 of 4 stars). 3 submissions from 3 submitters: Likely benign (2). 1 of the submissions does not count toward it. Last evaluated 2025-08-18.

Conditions:
Treacher Collins syndrome 1 (TCS1). Also called: TCOF1-Related Treacher Collins Syndrome. Identifiers: Orphanet 861, MedGen CN315775, MONDO:0007944, OMIM 154500.
TCOF1-related disorder. Also called: TCOF1-related condition.

Allele frequency attached by ClinVar (database versions not stated): gnomAD exomes 0.00002 and 0.00007; ExAC 0.00006; TOPMed 0.00023; gnomAD 0.00026; 1000 Genomes Project 30x 0.00031; ESP Exome Variant Server 0.00031; 1000 Genomes Project 0.00040.

Submissions (3):

Labcorp Genetics (formerly Invitae), Labcorp
Classification: Likely benign for Treacher Collins syndrome 1. Last evaluated: 2025-08-18. Review status: criteria provided, single submitter. Criteria: Invitae Variant Classification Sherloc (09022015). Collection method: clinical testing. Allele origin: germline.

GeneDx
Classification: Likely benign. Last evaluated: 2020-02-25. Review status: criteria provided, single submitter. Criteria: GeneDx Variant Classification Process June 2021. Collection method: clinical testing. Allele origin: germline. Affected: yes.

PreventionGenetics, part of Exact Sciences
Classification: Likely benign for TCOF1-related condition. Last evaluated: 2024-06-03. Review status: no assertion criteria provided. Collection method: clinical testing. Allele origin: germline. Not counted in ClinVar's aggregate classification.
Comment: This variant is classified as likely benign based on ACMG/AMP sequence variant interpretation guidelines (Richards et al. 2015 PMID: 25741868, with internal and published modifications).